The following is an entry in ClinVar:

ClinVar aggregate classification (germline): Uncertain significance (1 of 4 stars; one submission).

Submission:

Ambry Genetics
Classification: Uncertain significance. Last evaluated: 2021-10-29. Review status: criteria provided, single submitter. Criteria: Ambry Variant Classification Scheme 2023. Collection method: clinical testing. Allele origin: germline.
Comment: The p.F322Y variant (also known as c.965T>A), located in coding exon 5 of the GALNT12 gene, results from a T to A substitution at nucleotide position 965. The phenylalanine at codon 322 is replaced by tyrosine, an amino acid with highly similar properties. This amino acid position is conserved. In addition, the in silico prediction for this alteration is inconclusive. Since supporting evidence is limited at this time, the clinical significance of this alteration remains unclear.

NM_024642.5(GALNT12):c.965T>A (p.Phe322Tyr)

Gene: GALNT12 (polypeptide N-acetylgalactosaminyltransferase 12; plus strand). Cytogenetic location: 9q22.33.
Variant type: single nucleotide variant.
Coding change: c.965T>A on transcript NM_024642.5 (MANE Select); coding-DNA position 965, T replaced by A.
Protein change: p.Phe322Tyr; replaces phenylalanine 322 with tyrosine.
Molecular consequence: missense variant.
Genome position (GRCh38, 1-based): chr9:98,835,296, T>A. VCF-style: chr9-98835296-T-A. GRCh37 (hg19) VCF-style: chr9-101597578-T-A.
Other names: short protein forms F322Y.
Identifiers: ClinVar variation 1767701 (VCV001767701.2), dbSNP rs2490527396, ClinGen allele CA374219416.